The following is an entry in ClinVar:

ClinVar aggregate classification (germline): Uncertain significance. Review status: criteria provided, multiple submitters, no conflicts (2 of 4 stars). 3 submissions from 3 submitters: Uncertain significance (3). Last evaluated 2025-11-05.

Conditions:
COL9A2-related disorder. Also called: COL9A2-related condition.

Allele frequency attached by ClinVar (database versions not stated): ExAC 0.00002; gnomAD exomes 0.00002 and 0.00017; gnomAD 0.00008 and 0.00009; TOPMed 0.00008.
gnomAD v4.1: 257 of 1,614,110 alleles (0.016%); highest among the groups gnomAD compares: Non-Finnish European, 0.021%; no homozygotes.

Submissions (3):

Labcorp Genetics (formerly Invitae), Labcorp
Classification: Uncertain significance. Last evaluated: 2025-11-05. Review status: criteria provided, single submitter. Criteria: Invitae Variant Classification Sherloc (09022015). Collection method: clinical testing. Allele origin: germline.
Comment: This sequence change replaces glycine, which is neutral and non-polar, with serine, which is neutral and polar, at codon 340 of the COL9A2 protein (p.Gly340Ser). This variant is present in population databases (rs753194894, gnomAD 0.008%). This variant has not been reported in the literature in individuals affected with COL9A2-related conditions. ClinVar contains an entry for this variant (Variation ID: 1196942). Invitae Evidence Modeling of protein sequence and biophysical properties (such as structural, functional, and spatial information, amino acid conservation, physicochemical variation, residue mobility, and thermodynamic stability) indicates that this missense variant is expected to disrupt COL9A2 protein function with a positive predictive value of 95%. In summary, the available evidence is currently insufficient to determine the role of this variant in disease. Therefore, it has been classified as a Variant of Uncertain Significance.

GeneDx
Classification: Uncertain significance. Last evaluated: 2025-02-19. Review status: criteria provided, single submitter. Criteria: GeneDx Variant Classification Process June 2021. Collection method: clinical testing. Allele origin: germline. Affected: yes.
Comment: Has not been previously published as pathogenic or benign to our knowledge; In silico analysis supports that this missense variant has a deleterious effect on protein structure/function

PreventionGenetics, part of Exact Sciences
Classification: Uncertain significance for COL9A2-related condition. Last evaluated: 2025-02-18. Review status: criteria provided, single submitter. Criteria: ACMG Guidelines, 2015. Collection method: clinical testing. Allele origin: germline.
Comment: The COL9A2 c.1018G>A variant is predicted to result in the amino acid substitution p.Gly340Ser. To our knowledge, this variant has not been reported in the literature. This variant is reported in 0.0080% of alleles in individuals of African descent in gnomAD. At this time, the clinical significance of this variant is uncertain due to the absence of conclusive functional and genetic evidence.

NM_001852.4(COL9A2):c.1018G>A (p.Gly340Ser)

Gene: COL9A2 (collagen type IX alpha 2 chain; minus strand). Cytogenetic location: 1p34.2.
Variant type: single nucleotide variant.
Coding change: c.1018G>A on transcript NM_001852.4 (MANE Select); coding-DNA position 1018, G replaced by A.
Protein change: p.Gly340Ser; replaces glycine 340 with serine.
Molecular consequence: missense variant.
Genome position (GRCh38, 1-based): chr1:40,306,178, C>T on the plus strand (G>A on the coding strand, the complement: COL9A2 is on the minus strand). VCF-style: chr1-40306178-C-T. GRCh37 (hg19) VCF-style: chr1-40771850-C-T.
Other names: short protein forms G340S.
Identifiers: ClinVar variation 1196942 (VCV001196942.10), dbSNP rs753194894, ClinGen allele CA791625.